The following is an entry in ClinVar:

NC_000023.11:g.(?_31323598)_(31479103_?)del

Gene: DMD (dystrophin; minus strand). Cytogenetic location: Xp21.2.
Variant type: Deletion.
Identifiers: ClinVar variation 417498 (VCV000417498.1).

ClinVar aggregate classification (germline): Pathogenic (1 of 4 stars; one submission).

Conditions:
Duchenne muscular dystrophy (DMD). Also called: MUSCULAR DYSTROPHY, PSEUDOHYPERTROPHIC PROGRESSIVE, DUCHENNE TYPE; Duchenne Muscular Dystrophy (DMD). Identifiers: Orphanet 98896, MedGen C0013264, MONDO:0010679, OMIM 310200.

Submission:

Labcorp Genetics (formerly Invitae), Labcorp
Classification: Pathogenic for Duchenne muscular dystrophy. Last evaluated: 2016-09-26. Review status: criteria provided, single submitter. Criteria: Invitae Variant Classification Sherloc (09022015). Collection method: clinical testing. Allele origin: germline.
Comment: This variant is a gross deletion of the genomic region encompassing exons 58-62 of the DMD gene. This creates a premature translational stop signal and is expected to result in an absent or disrupted protein product. Truncating variants in DMD are known to be pathogenic (PMID: 16770791). This variant has been reported in individuals in the Universal Mutation Database (PMID: 22144684). For these reasons, this variant has been classified as Pathogenic.